The following is an entry in ClinVar:

ClinVar aggregate classification (germline): Pathogenic. Review status: criteria provided, multiple submitters, no conflicts (2 of 4 stars). 4 submissions from 4 submitters: Pathogenic (3). 1 of the submissions does not count toward it. Last evaluated 2023-12-26.

Conditions:
PIK3R2-related disorder. Also called: PIK3R2-related condition.
Megalencephaly-polymicrogyria-polydactyly-hydrocephalus syndrome 1 (MPPH1). Also called: MEGALENCEPHALY, MEGA CORPUS CALLOSUM, AND COMPLETE LACK OF MOTOR DEVELOPMENT; MEGALENCEPHALY, POLYMICROGYRIA, MEGA CORPUS CALLOSUM SYNDROME. Identifiers: Orphanet 83473, MedGen C4012727, MONDO:0011313, OMIM 603387.
Seizure. Also called: Seizures. Identifiers: MedGen C0036572, HP:0001250.

Submissions (4):

Rady Children's Institute for Genomic Medicine, Rady Children's Hospital San Diego
Classification: Pathogenic for PIK3R2-related disorders. Last evaluated: 2023-12-26. Review status: criteria provided, single submitter. Criteria: ACMG Guidelines, 2015. Collection method: clinical testing. Allele origin: germline. Affected: yes.
Comment: The c.1126A>G (p.Lys376Glu) variant affects a highly conserved amino acid and is predicted by multiple in silico tools to have a deleterious effect on protein function. This variant has been previously reported as a heterozygous change in patients with polymicrogyria (PMID: 26520804, 33057194, 37486637). The c.1126A>G (p.Lys376Glu) variant is located in the SH2 domain, which is a known hotspot domain for pathogenic variations associated with polymicrogyria (PMID: 26520804). The c.1126A>G (p.Lys376Glu) variant is absent from the gnomAD population database and thus is presumed to be rare. Based on the available evidence, c.1126A>G (p.Lys376Glu) is classified as Pathogenic.

GeneDx
Classification: Pathogenic. Last evaluated: 2023-07-31. Review status: criteria provided, single submitter. Criteria: GeneDx Variant Classification Process June 2021. Collection method: clinical testing. Allele origin: germline. Affected: yes.
Comment: Not observed at significant frequency in large population cohorts (gnomAD); In silico analysis supports that this missense variant has a deleterious effect on protein structure/function; This variant is associated with the following publications: (PMID: 26860062, 26520804)

Institute of Medical Genetics and Applied Genomics, University Hospital Tübingen
Classification: Pathogenic for Megalencephaly-polymicrogyria-polydactyly-hydrocephalus syndrome 1. Last evaluated: 2023-06-26. Review status: criteria provided, single submitter. Criteria: ACMG Guidelines, 2015. Collection method: clinical testing. Allele origin: germline. Inheritance: Autosomal dominant inheritance. Affected: yes.

Yale Center for Mendelian Genomics, Yale University
Classification: Pathogenic for Seizure. Last evaluated: 2021-04-05. Review status: no assertion criteria provided. Collection method: literature only. Allele origin: de novo. Affected: yes. Observed: 1 heterozygote. Study: Yale Center for Mendelian Genomics. Not counted in ClinVar's aggregate classification.

Literature cited by the submitters: PubMed 33818783 (cited by Yale Center for Mendelian Genomics, Yale University).

NM_005027.4(PIK3R2):c.1126A>G (p.Lys376Glu)

Gene: PIK3R2 (phosphoinositide-3-kinase regulatory subunit 2; plus strand). Cytogenetic location: 19p13.11.
Variant type: single nucleotide variant.
Coding change: c.1126A>G on transcript NM_005027.4 (MANE Select); coding-DNA position 1126, A replaced by G.
Protein change: p.Lys376Glu; replaces lysine 376 with glutamic acid.
Molecular consequence: missense variant. On other transcripts: non-coding transcript variant (2).
Genome position (GRCh38, 1-based): chr19:18,162,983, A>G. VCF-style: chr19-18162983-A-G. GRCh37 (hg19) VCF-style: chr19-18273793-A-G.
Other names: c.1126A>G, p.Lys376Glu (LRG_1392t1); c.1126A>G (NM_005027.3); short protein forms K376E.
Identifiers: ClinVar variation 280374 (VCV000280374.7), dbSNP rs886041591, ClinGen allele CA10603527.